The following is an entry in ClinVar:

ClinVar aggregate classification (germline): Pathogenic (1 of 4 stars; one submission).

Submission:

Labcorp Genetics (formerly Invitae), Labcorp
Classification: Pathogenic. Last evaluated: 2022-03-18. Review status: criteria provided, single submitter. Criteria: Invitae Variant Classification Sherloc (09022015). Collection method: clinical testing. Allele origin: germline.
Comment: This sequence change creates a premature translational stop signal (p.Pro452Phefs*15) in the MAP3K20 gene. It is expected to result in an absent or disrupted protein product. Loss-of-function variants in MAP3K20 are known to be pathogenic (PMID: 27816943). This variant is not present in population databases (gnomAD no frequency). This variant has not been reported in the literature in individuals affected with MAP3K20-related conditions. For these reasons, this variant has been classified as Pathogenic.

Literature cited by the submitters: PubMed 27816943.

NM_016653.3(MAP3K20):c.1313_1343dup (p.Pro452fs)

Genes: MAP3K20 (mitogen-activated protein kinase kinase kinase 20; plus strand), MAP3K20-AS1 (MAP3K20 antisense RNA 1; minus strand). Cytogenetic location: 2q31.1.
Variant type: Duplication.
Coding change: c.1313_1343dup on transcript NM_016653.3 (MANE Select); coding-DNA positions 1313 to 1343, 31 bases duplicated.
Protein change: p.Pro452fs; shifts the reading frame from proline 452.
Molecular consequence: frameshift variant.
Genome position (GRCh38, 1-based): chr2:173,239,450-173,239,480, 31 bases duplicated; duplicating any 31 consecutive bases within chr2:173,239,446-173,239,480 gives the same sequence; the c. name uses the placement nearest the transcript's 3' end. GRCh37 (hg19): chr2:174,104,178-174,104,208.
Other names: short protein forms P452fs.
Identifiers: ClinVar variation 1455550 (VCV001455550.6), dbSNP rs2106337664, ClinGen allele CA2573133660.